The following is an entry in ClinVar:

NM_004187.5(KDM5C):c.1802dup (p.Tyr601Ter)

Gene: KDM5C (lysine demethylase 5C; minus strand). Cytogenetic location: Xp11.22.
Variant type: Duplication.
Coding change: c.1802dup on transcript NM_004187.5 (MANE Select); coding-DNA position 1802, one base duplicated (A; older notation c.1802dupA).
Protein change: p.Tyr601Ter; replaces tyrosine 601 with a stop codon.
Molecular consequence: nonsense. On other transcripts: non-coding transcript variant (3).
Genome position (GRCh38, 1-based): chrX:53,201,918, T duplicated on the plus strand (A on the coding strand, the reverse complement: KDM5C is on the minus strand). VCF-style (leftmost placement, unchanged base first): chrX-53201917-G-GT. GRCh37 (hg19) VCF-style: chrX-53231099-G-GT.
Other names: c.1601dup, p.Tyr534Ter (NM_001146702.2); c.1799dup, p.Tyr600Ter (NM_001282622.3, NM_001353979.2, NM_001353982.2); c.1802dup, p.Tyr601Ter (NM_001353978.3, NM_001353981.2, NM_001353984.2); short protein forms Y534*, Y600*, Y601*.
Identifiers: ClinVar variation 523921 (VCV000523921.2), dbSNP rs1556842137, ClinGen allele CA658799756.
Genomic context (GRCh38, chrX:53,201,917, plus strand): 5'-GTCAGCAGTGCAAAAGTTGACAGCCTCGGCAAAGTTGTAGCCTTGGTTGAAGCCGCTGTG[G>GT]TAAGCACGGGGGAAGGTGATGACAAACTCTCCTGCACACTGGTTTGTGCGGACAACCTGA-3'

ClinVar aggregate classification (germline): Pathogenic (1 of 4 stars; one submission).

Submission:

GeneDx
Classification: Pathogenic. Last evaluated: 2018-03-19. Review status: criteria provided, single submitter. Criteria: GeneDx Variant Classification (06012015). Collection method: clinical testing. Allele origin: germline. Affected: yes.
Comment: The c.1802dupA variant in the KDM5C gene has not been reported previously as a pathogenic variant nor as a benign variant, to our knowledge. The c.1802dupA variant results in the replacement of codon Tyrosine 601 with a premature stop codon, denoted p.Tyr601Ter. This variant is predicted to cause loss of normal protein function either through protein truncation or nonsense-mediated mRNA decay. The c.1802dupA variant is not observed in large population cohorts (Lek et al., 2016). We interpret c.1802dupA as a pathogenic variant.